The following is an entry in ClinVar:

NM_025191.4(EDEM3):c.345+1G>A

Gene: EDEM3 (ER degradation enhancing alpha-mannosidase like protein 3; minus strand). Cytogenetic location: 1q25.3.
Variant type: single nucleotide variant.
Coding change: c.345+1G>A on transcript NM_025191.4 (MANE Select); the canonical splice donor site of the intron after coding-DNA position 345, G replaced by A.
Molecular consequence: splice donor variant.
Genome position (GRCh38, 1-based): chr1:184,737,024, C>T on the plus strand (G>A on the coding strand, the complement: EDEM3 is on the minus strand). VCF-style: chr1-184737024-C-T. GRCh37 (hg19) VCF-style: chr1-184706158-C-T.
Other names: c.345+1G>A (NM_001319960.2).
Identifiers: ClinVar variation 2636174 (VCV002636174.1), dbSNP rs2526315434, ClinGen allele CA343864845.

ClinVar aggregate classification (germline): Uncertain significance (1 of 4 stars; one submission).

Conditions:
EDEM3-related disorder. Also called: EDEM3-related condition.

Submission:

PreventionGenetics, part of Exact Sciences
Classification: Uncertain significance for EDEM3-related condition. Last evaluated: 2022-08-26. Review status: criteria provided, single submitter. Criteria: ACMG Guidelines, 2015. Collection method: clinical testing. Allele origin: germline.
Comment: The EDEM3 c.345+1G>A variant is predicted to disrupt the GT donor site and interfere with normal splicing. To our knowledge, this variant has not been reported in the literature or in a large population database, indicating this variant is rare. A small number of predicted loss of function changes in EDEM3, including one canonical splice-altering variant, have been reported in in patients with autosomal recessive congenital disorder of glycosylation type 2V (Polla et al. 2021. PubMed ID: 34143952). Although we suspect that this variant may be pathogenic, at this time, the clinical significance of this variant is uncertain due to the insufficient functional and genetic evidence.